The following is an entry in ClinVar:

NM_020806.5(GPHN):c.811C>G (p.His271Asp)

Gene: GPHN (gephyrin; plus strand). Cytogenetic location: 14q23.3.
Variant type: single nucleotide variant.
Coding change: c.811C>G on transcript NM_020806.5 (MANE Select); coding-DNA position 811, C replaced by G.
Protein change: p.His271Asp; replaces histidine 271 with aspartic acid.
Molecular consequence: missense variant. On other transcripts: intron variant (7).
Genome position (GRCh38, 1-based): chr14:66,924,275, C>G. VCF-style: chr14-66924275-C-G. GRCh37 (hg19) VCF-style: chr14-67390992-C-G.
Other names: c.768+1337C>G (NM_001377514.1, NM_001377519.1); c.729+1337C>G (NM_001377515.1, NM_001377516.1, NM_001377518.1 and 2 more transcripts); short protein forms H271D.
Identifiers: ClinVar variation 2900122 (VCV002900122.3), dbSNP rs745440766, ClinGen allele CA7233833.

ClinVar aggregate classification (germline): Uncertain significance (1 of 4 stars; one submission).

Conditions:
Sulfite oxidase deficiency due to molybdenum cofactor deficiency type C. Also called: Molybdenum cofactor deficiency C; Molybdenum cofactor deficiency, complementation group C. Identifiers: Orphanet 308400, Orphanet 833, MedGen C1854990, MONDO:0014212, OMIM 615501.

Allele frequency attached by ClinVar (database versions not stated): ExAC 0.00001.
gnomAD v4.1: 5 of 1,599,544 alleles (0.00031%); highest among the groups gnomAD compares: Admixed American, 0.005%; no homozygotes.

Submission:

Labcorp Genetics (formerly Invitae), Labcorp
Classification: Uncertain significance for Sulfite oxidase deficiency due to molybdenum cofactor deficiency type C. Last evaluated: 2023-09-29. Review status: criteria provided, single submitter. Criteria: Invitae Variant Classification Sherloc (09022015). Collection method: clinical testing. Allele origin: germline.
Comment: In summary, the available evidence is currently insufficient to determine the role of this variant in disease. Therefore, it has been classified as a Variant of Uncertain Significance. Algorithms developed to predict the effect of missense changes on protein structure and function output the following: SIFT: "Not Available"; PolyPhen-2: "Benign"; Align-GVGD: "Not Available". The aspartic acid amino acid residue is found in multiple mammalian species, which suggests that this missense change does not adversely affect protein function. This variant has not been reported in the literature in individuals affected with GPHN-related conditions. This sequence change replaces histidine, which is basic and polar, with aspartic acid, which is acidic and polar, at codon 271 of the GPHN protein (p.His271Asp). This variant is present in population databases (rs745440766, gnomAD 0.006%).